The following is an entry in ClinVar:

ClinVar aggregate classification (germline): Uncertain significance (1 of 4 stars; one submission).

Conditions:
Norman-Roberts syndrome (LIS2). Also called: Lissencephaly 2 (Norman-Roberts type). Identifiers: Orphanet 89844, MedGen C0796089, MONDO:0009760, OMIM 257320.

Submission:

Baylor Genetics
Classification: Uncertain significance for Norman-Roberts syndrome. Last evaluated: 2018-08-14. Review status: criteria provided, single submitter. Criteria: ACMG Guidelines, 2015. Collection method: clinical testing. Allele origin: unknown. Affected: yes.
Comment: This variant was determined to be of uncertain significance according to ACMG Guidelines, 2015 [PMID:25741868].

NM_005045.4(RELN):c.2728T>C (p.Ser910Pro)

Gene: RELN (reelin; minus strand). Cytogenetic location: 7q22.1.
Variant type: single nucleotide variant.
Coding change: c.2728T>C on transcript NM_005045.4 (MANE Select); coding-DNA position 2728, T replaced by C.
Protein change: p.Ser910Pro; replaces serine 910 with proline.
Molecular consequence: missense variant.
Genome position (GRCh38, 1-based): chr7:103,611,778, A>G on the plus strand (T>C on the coding strand, the complement: RELN is on the minus strand). VCF-style: chr7-103611778-A-G. GRCh37 (hg19) VCF-style: chr7-103252225-A-G.
Other names: c.2728T>C, p.Ser910Pro (NM_173054.3); short protein forms S910P.
Identifiers: ClinVar variation 1032970 (VCV001032970.1), dbSNP rs1831965631, ClinGen allele CA368754800.